The following is an entry in ClinVar:

ClinVar aggregate classification (germline): Uncertain significance. Review status: criteria provided, multiple submitters, no conflicts (2 of 4 stars). 5 submissions from 5 submitters: Uncertain significance (5). Last evaluated 2026-07-02.

Conditions:
Familial thoracic aortic aneurysm and aortic dissection (TAAD). Also called: Thoracic aortic aneurysms and dissections. Identifiers: Orphanet 91387, MedGen C4707243, MONDO:0019625.
Aortic aneurysm, familial thoracic 4 (AAT4). Also called: AORTIC ANEURYSM/AORTIC DISSECTION AND PATENT DUCTUS ARTERIOSUS. Identifiers: MedGen C1851504, MONDO:0007568, OMIM 132900.

Allele frequency attached by ClinVar (database versions not stated): gnomAD exomes below 0.00001; ExAC 0.00001.
gnomAD v4.1: 3 of 1,614,028 alleles (0.00019%); highest among the groups gnomAD compares: East Asian, 0.0022%; no homozygotes.

Submissions (5):

Ambry Genetics
Classification: Uncertain significance for Familial thoracic aortic aneurysm and aortic dissection. Last evaluated: 2026-07-02. Review status: criteria provided, single submitter. Criteria: Ambry Variant Classification Scheme 2023. Collection method: clinical testing. Allele origin: germline.
Comment: The p.S200P variant (also known as c.598T>C), located in coding exon 4 of the MYH11 gene, results from a T to C substitution at nucleotide position 598. The serine at codon 200 is replaced by proline, an amino acid with similar properties. This amino acid position is conserved. In addition, this alteration is predicted to be deleterious by in silico analysis. Based on the available evidence, the clinical significance of this variant remains unclear.

Labcorp Genetics (formerly Invitae), Labcorp
Classification: Uncertain significance for Aortic aneurysm, familial thoracic 4. Last evaluated: 2025-11-15. Review status: criteria provided, single submitter. Criteria: Invitae Variant Classification Sherloc (09022015). Collection method: clinical testing. Allele origin: germline.
Comment: This sequence change replaces serine, which is neutral and polar, with proline, which is neutral and non-polar, at codon 200 of the MYH11 protein (p.Ser200Pro). This variant is not present in population databases (gnomAD no frequency). This variant has not been reported in the literature in individuals affected with MYH11-related conditions. ClinVar contains an entry for this variant (Variation ID: 920766). Invitae Evidence Modeling of protein sequence and biophysical properties (such as structural, functional, and spatial information, amino acid conservation, physicochemical variation, residue mobility, and thermodynamic stability) indicates that this missense variant is not expected to disrupt MYH11 protein function with a negative predictive value of 95%. In summary, the available evidence is currently insufficient to determine the role of this variant in disease. Therefore, it has been classified as a Variant of Uncertain Significance.

GeneDx
Classification: Uncertain significance. Last evaluated: 2025-03-06. Review status: criteria provided, single submitter. Criteria: GeneDx Variant Classification Process June 2021. Collection method: clinical testing. Allele origin: germline. Affected: yes.
Comment: Not observed at significant frequency in large population cohorts (gnomAD); In silico analysis supports that this missense variant has a deleterious effect on protein structure/function; Has not been previously published as pathogenic or benign to our knowledge

All of Us Research Program, National Institutes of Health
Classification: Uncertain significance for Familial thoracic aortic aneurysm and aortic dissection. Last evaluated: 2024-03-24. Review status: criteria provided, single submitter. Criteria: ACMG Guidelines, 2015. Collection method: clinical testing. Allele origin: germline. Inheritance: Autosomal dominant inheritance. Observed: 1 variant allele, 1 heterozygote.
Comment: This missense variant replaces serine with proline at codon 200 of the MYH11 protein. Computational prediction suggests that this variant may have deleterious impact on protein structure and function (internally defined REVEL score threshold >= 0.7, PMID: 27666373). To our knowledge, functional studies have not been reported for this variant. This variant has not been reported in individuals affected with cardiovascular disorders in the literature. This variant has been identified in 1/251400 chromosomes in the general population by the Genome Aggregation Database (gnomAD). The available evidence is insufficient to determine the role of this variant in disease conclusively. Therefore, this variant is classified as a Variant of Uncertain Significance.

This study involves interpretation of variants in research participants for the purpose of population health screening. Participant phenotype was not available at the time of variant classification. Additional details can be found in publication PMID: 35346344, PMCID: PMC8962531

Color Diagnostics, LLC DBA Color Health
Classification: Uncertain significance for Familial thoracic aortic aneurysm and aortic dissection. Last evaluated: 2024-03-06. Review status: criteria provided, single submitter. Criteria: ACMG Guidelines, 2015. Collection method: clinical testing. Allele origin: germline.
Comment: This missense variant replaces serine with proline at codon 200 of the MYH11 protein. Computational prediction tools indicate that this variant has a deleterious impact on protein structure and function. To our knowledge, functional studies have not been reported for this variant. This variant has not been reported in individuals affected with MYH11-related disorders in the literature. This variant has been identified in 1/251400 chromosomes in the general population by the Genome Aggregation Database (gnomAD). The available evidence is insufficient to determine the role of this variant in disease conclusively. Therefore, this variant is classified as a Variant of Uncertain Significance.

NM_002474.3(MYH11):c.598T>C (p.Ser200Pro)

Gene: MYH11 (myosin heavy chain 11; minus strand). Cytogenetic location: 16p13.11.
Variant type: single nucleotide variant.
Coding change: c.598T>C on transcript NM_002474.3 (MANE Select); coding-DNA position 598, T replaced by C.
Protein change: p.Ser200Pro; replaces serine 200 with proline.
Molecular consequence: missense variant.
Genome position (GRCh38, 1-based): chr16:15,786,665, A>G on the plus strand (T>C on the coding strand, the complement: MYH11 is on the minus strand). VCF-style: chr16-15786665-A-G. GRCh37 (hg19) VCF-style: chr16-15880522-A-G.
Other names: c.598T>C, p.Ser200Pro (NM_001040113.2, NM_001040114.2, NM_022844.3); c.598T>C (NM_002474.2); short protein forms S200P.
Identifiers: ClinVar variation 920766 (VCV000920766.11), dbSNP rs763151112, ClinGen allele CA7922928.